The following is an entry in ClinVar:

ClinVar aggregate classification (germline): Conflicting classifications of pathogenicity. Review status: criteria provided, conflicting classifications (1 of 4 stars). 2 submissions from 2 submitters: Uncertain significance (1); Likely benign (1). Last evaluated 2021-09-17.

Allele frequency attached by ClinVar (database versions not stated): gnomAD exomes below 0.00001; TOPMed below 0.00001.
gnomAD v4.1: 1 of 1,205,773 alleles (0.000083%); highest among the groups gnomAD compares: Admixed American, 0.0022%; no homozygotes.

Submissions (2):

Labcorp Genetics (formerly Invitae), Labcorp
Classification: Uncertain significance. Last evaluated: 2021-09-17. Review status: criteria provided, single submitter. Criteria: Invitae Variant Classification Sherloc (09022015). Collection method: clinical testing. Allele origin: germline.
Comment: This sequence change replaces tryptophan with arginine at codon 20 of the COL4A5 protein (p.Trp20Arg). The tryptophan residue is weakly conserved and there is a moderate physicochemical difference between tryptophan and arginine. This variant is not present in population databases (ExAC no frequency). This variant has not been reported in the literature in individuals affected with COL4A5-related conditions. Advanced modeling of protein sequence and biophysical properties (such as structural, functional, and spatial information, amino acid conservation, physicochemical variation, residue mobility, and thermodynamic stability) performed at Invitae indicates that this missense variant is not expected to disrupt COL4A5 protein function. In summary, the available evidence is currently insufficient to determine the role of this variant in disease. Therefore, it has been classified as a Variant of Uncertain Significance.

Blueprint Genetics
Classification: Likely benign. Last evaluated: 2018-11-16. Review status: criteria provided, single submitter. Criteria: ACMG Guidelines, 2015. Collection method: clinical testing. Allele origin: germline.

NM_033380.3(COL4A5):c.58T>C (p.Trp20Arg)

Gene: COL4A5 (collagen type IV alpha 5 chain; plus strand). Cytogenetic location: Xq22.3.
Variant type: single nucleotide variant.
Coding change: c.58T>C on transcript NM_033380.3 (MANE Select); coding-DNA position 58, T replaced by C.
Protein change: p.Trp20Arg; replaces tryptophan 20 with arginine.
Molecular consequence: missense variant.
Genome position (GRCh38, 1-based): chrX:108,440,183, T>C. VCF-style: chrX-108440183-T-C. GRCh37 (hg19) VCF-style: chrX-107683413-T-C.
Other names: c.58T>C, p.Trp20Arg (NM_000495.5); short protein forms W20R.
Identifiers: ClinVar variation 2191277 (VCV002191277.2), dbSNP rs753738687, ClinGen allele CA413905983.